The following is an entry in ClinVar:

NM_000038.6(APC):c.5366T>C (p.Val1789Ala)

Gene: APC (APC regulator of Wnt signaling pathway; plus strand). Cytogenetic location: 5q22.2.
Variant type: single nucleotide variant.
Coding change: c.5366T>C on transcript NM_000038.6 (MANE Select); coding-DNA position 5366, T replaced by C.
Protein change: p.Val1789Ala; replaces valine 1789 with alanine.
Molecular consequence: missense variant. On other transcripts: non-coding transcript variant (2).
Genome position (GRCh38, 1-based): chr5:112,840,960, T>C. VCF-style: chr5-112840960-T-C. GRCh37 (hg19) VCF-style: chr5-112176657-T-C.
Other names: c.5366T>C, p.Val1789Ala (NM_001127510.3, NM_001354895.2, NM_001407450.1); c.5312T>C, p.Val1771Ala (NM_001127511.3); c.5420T>C, p.Val1807Ala (NM_001354896.2, NM_001407447.1, NM_001407448.1 and 1 more transcripts); c.5396T>C, p.Val1799Ala (NM_001354897.2); c.5291T>C, p.Val1764Ala (NM_001354898.2); c.5282T>C, p.Val1761Ala (NM_001354899.2); c.5243T>C, p.Val1748Ala (NM_001354900.2); c.5189T>C, p.Val1730Ala (NM_001354901.2, NM_001407453.1); and 11 more; short protein forms V1629A, V1663A, V1730A, V1761A, V1771A, V1799A, V1405A, V1748A.
Identifiers: ClinVar variation 2730666 (VCV002730666.3), dbSNP rs1362525174, ClinGen allele CA16033059.

ClinVar aggregate classification (germline): Uncertain significance (1 of 4 stars; one submission).

Conditions:
Familial adenomatous polyposis 1 (FAP1). Also called: FAMILIAL ADENOMATOUS POLYPOSIS 1, ATTENUATED; POLYPOSIS, ADENOMATOUS INTESTINAL. Identifiers: MedGen C2713442, MONDO:0021056, OMIM 175100. Disease mechanism: loss of function.

Submission:

Labcorp Genetics (formerly Invitae), Labcorp
Classification: Uncertain significance for Familial adenomatous polyposis 1. Last evaluated: 2023-06-27. Review status: criteria provided, single submitter. Criteria: Invitae Variant Classification Sherloc (09022015). Collection method: clinical testing. Allele origin: germline.
Comment: In summary, the available evidence is currently insufficient to determine the role of this variant in disease. Therefore, it has been classified as a Variant of Uncertain Significance. This sequence change replaces valine, which is neutral and non-polar, with alanine, which is neutral and non-polar, at codon 1789 of the APC protein (p.Val1789Ala). This variant is not present in population databases (gnomAD no frequency). This variant has not been reported in the literature in individuals affected with APC-related conditions. Advanced modeling of protein sequence and biophysical properties (such as structural, functional, and spatial information, amino acid conservation, physicochemical variation, residue mobility, and thermodynamic stability) performed at Invitae indicates that this missense variant is not expected to disrupt APC protein function.